The following is an entry in ClinVar:

NM_194248.3(OTOF):c.4023+5G>C

Gene: OTOF (otoferlin; minus strand). Cytogenetic location: 2p23.3.
Variant type: single nucleotide variant.
Coding change: c.4023+5G>C on transcript NM_194248.3 (MANE Select); 5 bases into the intron after coding-DNA position 4023, G replaced by C.
Molecular consequence: intron variant.
Genome position (GRCh38, 1-based): chr2:26,470,588, C>G on the plus strand (G>C on the coding strand, the complement: OTOF is on the minus strand). VCF-style: chr2-26470588-C-G. GRCh37 (hg19) VCF-style: chr2-26693456-C-G.
Other names: c.4023+5G>C (NM_001287489.2); c.1722+5G>C (NM_194323.3, NM_004802.4); c.1953+5G>C (NM_194322.3).
Identifiers: ClinVar variation 3372280 (VCV003372280.1).

ClinVar aggregate classification (germline): Uncertain significance (1 of 4 stars; one submission).

Submission:

GeneDx
Classification: Uncertain significance. Last evaluated: 2024-04-10. Review status: criteria provided, single submitter. Criteria: GeneDx Variant Classification Process June 2021. Collection method: clinical testing. Allele origin: germline. Affected: yes.
Comment: Not observed at significant frequency in large population cohorts (gnomAD); In silico analysis supports a deleterious effect on splicing; Has not been previously published as pathogenic or benign to our knowledge